The following is an entry in ClinVar:

ClinVar aggregate classification (germline): Uncertain significance (1 of 4 stars; one submission).

Submission:

Labcorp Genetics (formerly Invitae), Labcorp
Classification: Uncertain significance. Last evaluated: 2022-01-03. Review status: criteria provided, single submitter. Criteria: Invitae Variant Classification Sherloc (09022015). Collection method: clinical testing. Allele origin: germline.
Comment: Experimental studies and prediction algorithms are not available or were not evaluated, and the functional significance of this variant is currently unknown. This variant has not been reported in the literature in individuals affected with MRPS23-related conditions. This variant results in a copy number gain of the genomic region encompassing exon(s) 3-5 of the MRPS23 gene. This region includes the termination codon of the gene. This copy number gain extends beyond the assayed region for this gene and therefore may encompass additional genes. As the precise location of this event is unknown, it may be in tandem or it may be located elsewhere in the genome. In summary, the available evidence is currently insufficient to determine the role of this variant in disease. Therefore, it has been classified as a Variant of Uncertain Significance.

NC_000017.10:g.(?_55917144)_(55918641_?)dup

Gene: MRPS23 (mitochondrial ribosomal protein S23; minus strand). Cytogenetic location: 17q22.
Variant type: Duplication.
Identifiers: ClinVar variation 2426264 (VCV002426264.4).